The following is an entry in ClinVar:

ClinVar aggregate classification (germline): Uncertain significance (1 of 4 stars; one submission).

Allele frequency attached by ClinVar (database versions not stated): ESP Exome Variant Server 0.00015.
gnomAD v4.1: 11 of 1,610,386 alleles (0.00068%); highest among the groups gnomAD compares: African/African-American, 0.015%; no homozygotes.

Submission:

Ambry Genetics
Classification: Uncertain significance. Last evaluated: 2024-01-21. Review status: criteria provided, single submitter. Criteria: Ambry Variant Classification Scheme 2023. Collection method: clinical testing. Allele origin: germline.
Comment: The p.V2440L variant (also known as c.7318G>C), located in coding exon 27 of the POLQ gene, results from a G to C substitution at nucleotide position 7318. The valine at codon 2440 is replaced by leucine, an amino acid with highly similar properties. This amino acid position is conserved. In addition, this alteration is predicted to be deleterious by in silico analysis. Since supporting evidence is limited at this time, the clinical significance of this alteration remains unclear.

NM_199420.4(POLQ):c.7318G>C (p.Val2440Leu)

Gene: POLQ (DNA polymerase theta; minus strand). Cytogenetic location: 3q13.33.
Variant type: single nucleotide variant.
Coding change: c.7318G>C on transcript NM_199420.4 (MANE Select); coding-DNA position 7318, G replaced by C.
Protein change: p.Val2440Leu; replaces valine 2440 with leucine.
Molecular consequence: missense variant.
Genome position (GRCh38, 1-based): chr3:121,440,063, C>G on the plus strand (G>C on the coding strand, the complement: POLQ is on the minus strand). VCF-style: chr3-121440063-C-G. GRCh37 (hg19) VCF-style: chr3-121158910-C-G.
Other names: short protein forms V2440L.
Identifiers: ClinVar variation 1758287 (VCV001758287.2), dbSNP rs138273543, ClinGen allele CA2562206.